The following is an entry in ClinVar:

ClinVar aggregate classification (germline): Conflicting classifications of pathogenicity. Review status: criteria provided, conflicting classifications (1 of 4 stars). 3 submissions from 3 submitters: Uncertain significance (2); Likely benign (1). Last evaluated 2025-01-07.

Conditions:
Familial cancer of breast. Also called: BREAST CANCER, FAMILIAL; Hereditary breast cancer; hereditary breast carcinoma. Identifiers: Orphanet 227535, MedGen C0346153, MONDO:0016419, OMIM 114480. Disease mechanism: loss of function.
Hereditary cancer-predisposing syndrome. Also called: Neoplastic Syndromes, Hereditary; Tumor predisposition; Hereditary Cancer Syndrome; Hereditary neoplastic syndrome. Identifiers: Orphanet 140162, MedGen C0027672, MeSH D009386, MONDO:0015356.

Submissions (3):

Ambry Genetics
Classification: Likely benign for Hereditary cancer-predisposing syndrome. Last evaluated: 2025-01-07. Review status: criteria provided, single submitter. Criteria: Ambry Variant Classification Scheme 2023. Collection method: clinical testing. Allele origin: germline.

Color Diagnostics, LLC DBA Color Health
Classification: Uncertain significance for Hereditary cancer-predisposing syndrome. Last evaluated: 2024-03-06. Review status: criteria provided, single submitter. Criteria: ACMG Guidelines, 2015. Collection method: clinical testing. Allele origin: germline.
Comment: This missense variant replaces isoleucine with threonine at codon 38 of the CHEK2 protein. Computational prediction tool suggests that this variant may not impact protein structure and function (internally defined REVEL score threshold <=0.5, PMID: 27666373). Splice site prediction tools suggest that this variant may not impact RNA splicing. To our knowledge, functional studies have not been performed for this variant. This variant has not been reported in individuals affected with hereditary cancer in the literature. This variant has not been identified in the general population by the Genome Aggregation Database (gnomAD). The available evidence is insufficient to determine the role of this variant in disease conclusively. Therefore, this variant is classified as a Variant of Uncertain Significance.

Labcorp Genetics (formerly Invitae), Labcorp
Classification: Uncertain significance for Familial cancer of breast. Last evaluated: 2019-08-10. Review status: criteria provided, single submitter. Criteria: Invitae Variant Classification Sherloc (09022015). Collection method: clinical testing. Allele origin: germline.
Comment: This sequence change replaces isoleucine with threonine at codon 38 of the CHEK2 protein (p.Ile38Thr). The isoleucine residue is weakly conserved and there is a moderate physicochemical difference between isoleucine and threonine. This variant is not present in population databases (ExAC no frequency). This variant has not been reported in the literature in individuals with CHEK2-related conditions. Algorithms developed to predict the effect of missense changes on protein structure and function output the following: SIFT: "Tolerated"; PolyPhen-2: "Benign"; Align-GVGD: "Class C0". The threonine amino acid residue is found in multiple mammalian species, suggesting that this missense change does not adversely affect protein function. These predictions have not been confirmed by published functional studies and their clinical significance is uncertain. In summary, the available evidence is currently insufficient to determine the role of this variant in disease. Therefore, it has been classified as a Variant of Uncertain Significance.

NM_007194.4(CHEK2):c.113T>C (p.Ile38Thr)

Gene: CHEK2 (checkpoint kinase 2; minus strand). Cytogenetic location: 22q12.1.
Variant type: single nucleotide variant.
Coding change: c.113T>C on transcript NM_007194.4 (MANE Select); coding-DNA position 113, T replaced by C.
Protein change: p.Ile38Thr; replaces isoleucine 38 with threonine.
Molecular consequence: missense variant.
Genome position (GRCh38, 1-based): chr22:28,734,609, A>G on the plus strand (T>C on the coding strand, the complement: CHEK2 is on the minus strand). VCF-style: chr22-28734609-A-G. GRCh37 (hg19) VCF-style: chr22-29130597-A-G.
Other names: c.113T>C, p.Ile38Thr (NM_001005735.3, NM_001349956.3, NM_145862.3); c.-665T>C (NM_001257387.3); short protein forms I38T.
Identifiers: ClinVar variation 925731 (VCV000925731.14), dbSNP rs2054329519, ClinGen allele CA411091371.